The following is an entry in ClinVar:

NM_001394062.1(MACF1):c.16085T>C (p.Ile5362Thr)

Gene: MACF1 (microtubule actin crosslinking factor 1; plus strand). Cytogenetic location: 1p34.3.
Variant type: single nucleotide variant.
Coding change: c.16085T>C on transcript NM_001394062.1 (MANE Select); coding-DNA position 16085, T replaced by C.
Protein change: p.Ile5362Thr; replaces isoleucine 5362 with threonine.
Molecular consequence: missense variant.
Genome position (GRCh38, 1-based): chr1:39,422,836, T>C. VCF-style: chr1-39422836-T-C. GRCh37 (hg19) VCF-style: chr1-39888508-T-C.
Other names: c.4481T>C, p.Ile1494Thr (NM_001397473.1); c.9899T>C, p.Ile3300Thr (NM_012090.5); short protein forms I1494T, I3300T, I5362T.
Identifiers: ClinVar variation 2633306 (VCV002633306.1), dbSNP rs368494057, ClinGen allele CA20935133.
Genomic context (GRCh38, chr1:39,422,836, plus strand): 5'-GGAAGTTTCAAGATGCCTTGGAGCCATTGCTCAGCTGGTTGGCAGATACCGAGGAGCTCA[T>C]AGCCAATCAGAAACCTCCATCTGCTGAGTATAAAGTGGTGAAAGCACAGATCCAAGAACA-3'
Protein context (NP_001380991.1, residues 5352-5372): LSWLADTEEL[Ile5362Thr]ANQKPPSAEY

ClinVar aggregate classification (germline): Uncertain significance (1 of 4 stars; one submission).

Conditions:
MACF1-related disorder. Also called: MACF1-related condition.

Allele frequency attached by ClinVar (database versions not stated): gnomAD 0.00001; gnomAD exomes 0.00001; TOPMed 0.00001; ESP Exome Variant Server 0.00008.
gnomAD v4.1: 10 of 1,614,040 alleles (0.00062%); highest among the groups gnomAD compares: African/African-American, 0.0027%; no homozygotes.

Submission:

PreventionGenetics, part of Exact Sciences
Classification: Uncertain significance for MACF1-related condition. Last evaluated: 2023-05-11. Review status: criteria provided, single submitter. Criteria: ACMG Guidelines, 2015. Collection method: clinical testing. Allele origin: germline.
Comment: The MACF1 c.9899T>C variant is predicted to result in the amino acid substitution p.Ile3300Thr. To our knowledge, this variant has not been reported in the literature. This variant is reported in 0.00088% of alleles in individuals of European (Non-Finnish) descent in gnomAD. At this time, the clinical significance of this variant is uncertain due to the absence of conclusive functional and genetic evidence.